The following is an entry in ClinVar:

NM_001375524.1(TRRAP):c.367-3T>C

Gene: TRRAP (transformation/transcription domain associated protein; plus strand). Cytogenetic location: 7q22.1.
Variant type: single nucleotide variant.
Coding change: c.367-3T>C on transcript NM_001375524.1 (MANE Select); 3 bases into the intron before coding-DNA position 367, T replaced by C.
Molecular consequence: intron variant.
Genome position (GRCh38, 1-based): chr7:98,893,795, T>C. VCF-style: chr7-98893795-T-C. GRCh37 (hg19) VCF-style: chr7-98491418-T-C.
Other names: c.367-3T>C (NM_001244580.2, NM_003496.4).
Identifiers: ClinVar variation 3014183 (VCV003014183.3), dbSNP rs369076374, ClinGen allele CA4359222.
Genomic context (GRCh38, chr7:98,893,795, plus strand): 5'-GAGAAAATTAGCCTTTAAAGTGAGTCTTCAGAAGTATAACTTTCATTAAATGCTTTTTTT[T>C]AGACGGAAAATGAAGAAAATGTTCTTATTTGTCTAAGAATAATTATTGAGCTACACAAAC-3'

ClinVar aggregate classification (germline): Uncertain significance (1 of 4 stars; one submission).

Allele frequency attached by ClinVar (database versions not stated): ExAC 0.00001; gnomAD 0.00001; TOPMed 0.00001; ESP Exome Variant Server 0.00008; gnomAD exomes 0.00001.
gnomAD v4.1: 14 of 1,612,290 alleles (0.00087%); highest among the groups gnomAD compares: Non-Finnish European, 0.0012%; no homozygotes.

Submission:

Labcorp Genetics (formerly Invitae), Labcorp
Classification: Uncertain significance. Last evaluated: 2025-10-07. Review status: criteria provided, single submitter. Criteria: Invitae Variant Classification Sherloc (09022015). Collection method: clinical testing. Allele origin: germline.
Comment: This sequence change falls in intron 5 of the TRRAP gene. It does not directly change the encoded amino acid sequence of the TRRAP protein. It affects a nucleotide within the consensus splice site. This variant is present in population databases (rs369076374, gnomAD 0.003%). This variant has not been reported in the literature in individuals affected with TRRAP-related conditions. ClinVar contains an entry for this variant (Variation ID: 3014183). Variants that disrupt the consensus splice site are a relatively common cause of aberrant splicing (PMID: 17576681, 9536098). Algorithms developed to predict the effect of sequence changes on RNA splicing suggest that this variant is not likely to affect RNA splicing. In summary, the available evidence is currently insufficient to determine the role of this variant in disease. Therefore, it has been classified as a Variant of Uncertain Significance.

Literature cited by the submitters: PubMed 17576681; PubMed 9536098.